The following is an entry in ClinVar:

NM_000127.3(EXT1):c.19T>G (p.Tyr7Asp)

Gene: EXT1 (exostosin glycosyltransferase 1; minus strand). Cytogenetic location: 8q24.11.
Variant type: single nucleotide variant.
Coding change: c.19T>G on transcript NM_000127.3 (MANE Select); coding-DNA position 19, T replaced by G.
Protein change: p.Tyr7Asp; replaces tyrosine 7 with aspartic acid.
Molecular consequence: missense variant.
Genome position (GRCh38, 1-based): chr8:118,111,028, A>C on the plus strand (T>G on the coding strand, the complement: EXT1 is on the minus strand). VCF-style: chr8-118111028-A-C. GRCh37 (hg19) VCF-style: chr8-119123267-A-C.
Other names: short protein forms Y7D.
Identifiers: ClinVar variation 1499368 (VCV001499368.8), dbSNP rs2130046079, ClinGen allele CA371916771.

ClinVar aggregate classification (germline): Uncertain significance (1 of 4 stars; one submission).

Conditions:
Multiple congenital exostosis (EXT). Also called: Multiple exostoses; Hereditary multiple exostoses; Hereditary multiple exostosis; Hereditary multiple osteochondromas; MULTIPLE CARTILAGINOUS EXOSTOSES; Multiple osteochondromas. Identifiers: Orphanet 321, MedGen C0015306, MONDO:0005508, HP:0002762.

Submission:

Labcorp Genetics (formerly Invitae), Labcorp
Classification: Uncertain significance for Multiple congenital exostosis. Last evaluated: 2020-12-31. Review status: criteria provided, single submitter. Criteria: Invitae Variant Classification Sherloc (09022015). Collection method: clinical testing. Allele origin: germline.
Comment: This sequence change replaces tyrosine with aspartic acid at codon 7 of the EXT1 protein (p.Tyr7Asp). The tyrosine residue is moderately conserved and there is a large physicochemical difference between tyrosine and aspartic acid. In summary, the available evidence is currently insufficient to determine the role of this variant in disease. Therefore, it has been classified as a Variant of Uncertain Significance. Advanced modeling of protein sequence and biophysical properties (such as structural, functional, and spatial information, amino acid conservation, physicochemical variation, residue mobility, and thermodynamic stability) performed at Invitae indicates that this missense variant is expected to disrupt EXT1 protein function. This variant has not been reported in the literature in individuals with EXT1-related conditions. This variant is not present in population databases (ExAC no frequency).